The following is an entry in ClinVar:

NM_001136271.3(NKX2-6):c.1A>T (p.Met1Leu)

Gene: NKX2-6 (NK2 homeobox 6; minus strand). Cytogenetic location: 8p21.2.
Variant type: single nucleotide variant.
Coding change: c.1A>T on transcript NM_001136271.3 (MANE Select); coding-DNA position 1, A replaced by T.
Protein change: p.Met1Leu; changes the start codon (methionine 1).
Molecular consequence: missense variant, initiator codon variant.
Genome position (GRCh38, 1-based): chr8:23,706,598, T>A on the plus strand (A>T on the coding strand, the complement: NKX2-6 is on the minus strand). VCF-style: chr8-23706598-T-A. GRCh37 (hg19) VCF-style: chr8-23564111-T-A.
Other names: short protein forms M1L.
Identifiers: ClinVar variation 4811671 (VCV004811671.1).

ClinVar aggregate classification (germline): Uncertain significance (1 of 4 stars; one submission).

Conditions:
Conotruncal heart malformations (CTHM). Also called: Conotruncal heart malformations, variable. Identifiers: Orphanet 2445, Orphanet 3384, Orphanet 3426, MedGen C1857586, MONDO:0016581, OMIM 217095.

Submission:

Labcorp Genetics (formerly Invitae), Labcorp
Classification: Uncertain significance for Conotruncal heart malformations. Last evaluated: 2026-01-27. Review status: criteria provided, single submitter. Criteria: Invitae Variant Classification Sherloc (09022015). Collection method: clinical testing. Allele origin: germline.
Comment: This sequence change affects the initiator codon of the NKX2-6 mRNA. This change may impact translation initiation or efficiency. The next in-frame methionine is located at codon 46. This variant is not present in population databases (gnomAD no frequency). Disruption of the initiator codon has been observed in individual(s) with atrial septal defect (PMID: 27808268). Studies have shown that disruption of the initiator codon alters NKX2-6 gene expression (PMID: 27808268). In summary, the available evidence is currently insufficient to determine the role of this variant in disease. Therefore, it has been classified as a Variant of Uncertain Significance.

Literature cited by the submitters: PubMed 27808268.